The following is an entry in ClinVar:

ClinVar aggregate classification (germline): Conflicting classifications of pathogenicity. Review status: criteria provided, conflicting classifications (1 of 4 stars). 6 submissions from 5 submitters: Uncertain significance (5); Benign (1). Last evaluated 2024-10-16.

Conditions:
Autosomal recessive ataxia, Beauce type. Also called: SYNE1 Deficiency; SYNE1-Related Autosomal Recessive Cerebellar Ataxia; Spinocerebellar ataxia, autosomal recessive 8; ATAXIA, RECESSIVE, OF BEAUCE. Identifiers: Orphanet 88644, MedGen C1853116, MONDO:0012549, OMIM 610743.
Emery-Dreifuss muscular dystrophy 4, autosomal dominant (EDMD4). Also called: EMERY-DREIFUSS MUSCULAR DYSTROPHY 4 WITH VARIABLE FEATURES. Identifiers: Orphanet 261, MedGen C2751807, MONDO:0013071, OMIM 612998.

Allele frequency attached by ClinVar (database versions not stated): gnomAD exomes below 0.00001 and 0.00002; ExAC 0.00003; gnomAD 0.00008 and 0.00009; TOPMed 0.00009.
gnomAD v4.1: 17 of 1,613,684 alleles (0.0011%); highest among the groups gnomAD compares: African/African-American, 0.02%; no homozygotes.

Submissions (6):

Athena Diagnostics
Classification: Uncertain significance. Last evaluated: 2024-10-16. Review status: criteria provided, single submitter. Criteria: Athena Diagnostics Criteria. Collection method: clinical testing. Allele origin: unknown.
Comment: Available data are insufficient to determine the clinical significance of the variant at this time. The frequency of this variant in the general population is uninformative in assessment of its pathogenicity. Polyphen and MutationTaster predict this amino acid change may be benign.

GeneDx
Classification: Uncertain significance. Last evaluated: 2024-06-13. Review status: criteria provided, single submitter. Criteria: GeneDx Variant Classification Process June 2021. Collection method: clinical testing. Allele origin: germline. Affected: yes.
Comment: In silico analysis supports that this missense variant has a deleterious effect on protein structure/function; Has not been previously published as pathogenic or benign to our knowledge

Labcorp Genetics (formerly Invitae), Labcorp
Classification: Uncertain significance for Emery-Dreifuss muscular dystrophy 4, autosomal dominant; Autosomal recessive ataxia, Beauce type. Last evaluated: 2023-08-04. Review status: criteria provided, single submitter. Criteria: Invitae Variant Classification Sherloc (09022015). Collection method: clinical testing. Allele origin: germline.
Comment: This sequence change replaces threonine, which is neutral and polar, with proline, which is neutral and non-polar, at codon 5767 of the SYNE1 protein (p.Thr5767Pro). This variant is present in population databases (rs752135269, gnomAD 0.02%). This variant has not been reported in the literature in individuals affected with SYNE1-related conditions. ClinVar contains an entry for this variant (Variation ID: 355854). An algorithm developed to predict the effect of missense changes on protein structure and function (PolyPhen-2) suggests that this variant is likely to be tolerated. In summary, the available evidence is currently insufficient to determine the role of this variant in disease. Therefore, it has been classified as a Variant of Uncertain Significance.

Revvity Omics, Revvity
Classification: Uncertain significance. Last evaluated: 2022-10-18. Review status: criteria provided, single submitter. Criteria: ACMG Guidelines, 2015. Collection method: clinical testing. Allele origin: germline.

Illumina Laboratory Services, Illumina
Classification: Uncertain significance for Autosomal recessive ataxia, Beauce type. Last evaluated: 2018-01-13. Review status: criteria provided, single submitter. Criteria: ICSL Variant Classification Criteria 13 December 2019. Collection method: clinical testing. Allele origin: germline.

Illumina Laboratory Services, Illumina
Classification: Benign for Emery-Dreifuss muscular dystrophy 4, autosomal dominant. Last evaluated: 2018-01-13. Review status: criteria provided, single submitter. Criteria: ICSL Variant Classification Criteria 13 December 2019. Collection method: clinical testing. Allele origin: germline.
Comment: This variant was observed in the ICSL laboratory as part of a predisposition screen in an ostensibly healthy population. It had not been previously curated by ICSL or reported in the Human Gene Mutation Database (HGMD: prior to June 1st, 2018), and was therefore a candidate for classification through an automated scoring system. Utilizing variant allele frequency, disease prevalence and penetrance estimates, and inheritance mode, an automated score was calculated to assess if this variant is too frequent to cause the disease. Based on the score and internal cut-off values, a variant classified as benign is not then subjected to further curation. The score for this variant resulted in a classification of benign for this disease.

NM_182961.4(SYNE1):c.17512A>C (p.Thr5838Pro)

Genes: SYNE1 (spectrin repeat containing nuclear envelope protein 1; minus strand), LOC129997480 (ATAC-STARR-seq lymphoblastoid active region 25287; plus strand). Cytogenetic location: 6q25.2.
Variant type: single nucleotide variant.
Coding change: c.17512A>C on transcript NM_182961.4 (MANE Select); coding-DNA position 17512, A replaced by C.
Protein change: p.Thr5838Pro; replaces threonine 5838 with proline.
Molecular consequence: missense variant.
Genome position (GRCh38, 1-based): chr6:152,301,898, T>G on the plus strand (A>C on the coding strand, the complement: SYNE1 is on the minus strand). VCF-style: chr6-152301898-T-G. GRCh37 (hg19) VCF-style: chr6-152623033-T-G.
Other names: c.17512A>C (NM_182961.2); c.17299A>C, p.Thr5767Pro (NM_033071.5); short protein forms T5767P, T5838P.
Identifiers: ClinVar variation 355854 (VCV000355854.13), dbSNP rs752135269, ClinGen allele CA4055216.